The following is an entry in ClinVar:

ClinVar aggregate classification (germline): Likely benign (1 of 4 stars; one submission).

Allele frequency attached by ClinVar (database versions not stated): gnomAD exomes 0.00001; ExAC 0.00002.

Submission:

CeGaT Center for Human Genetics Tuebingen
Classification: Likely benign. Last evaluated: 2022-07-01. Review status: criteria provided, single submitter. Criteria: CeGaT Center For Human Genetics Tuebingen Variant Classification Criteria Version 2. Collection method: clinical testing. Allele origin: germline. Affected: yes. Observed: 1 variant allele.
Comment: PCDHB9: BP4, BP7

NM_019119.5(PCDHB9):c.690T>C (p.Ile230=)

Genes: PCDHB9 (protocadherin beta 9; plus strand), PCDHB@ (protocadherin beta cluster; plus strand). Cytogenetic location: 5q31.3.
Variant type: single nucleotide variant.
Coding change: c.690T>C on transcript NM_019119.5 (MANE Select); coding-DNA position 690, T replaced by C.
Protein change: p.Ile230=; no amino-acid change (isoleucine 230 retained).
Molecular consequence: synonymous variant.
Genome position (GRCh38, 1-based): chr5:141,188,008, T>C. VCF-style: chr5-141188008-T-C. GRCh37 (hg19) VCF-style: chr5-140567582-T-C.
Identifiers: ClinVar variation 2655825 (VCV002655825.24), dbSNP rs782696423, ClinGen allele CA3460866.
Genomic context (GRCh38, chr5:141,188,008, plus strand): 5'-AACCCTCACAGCGCTGGATGGTGGGTCTCCATCCAGGTCTGGGACCTCCACTATACGCAT[T>C]GTGGTCTTGGATGTCAATGACAATGTCCCACAGTTTGCCCAGGCTCTGTATGAGACCCAG-3'
Protein context (NP_061992.3, residues 220-240): PSRSGTSTIR[Ile230=]VVLDVNDNVP